The following is an entry in ClinVar:

ClinVar aggregate classification (germline): Likely benign (0 of 4 stars; one submission).

Conditions:
SETX-related disorder. Also called: SETX-related disorders; SETX-related condition. Identifiers: MedGen CN239403.

Allele frequency attached by ClinVar (database versions not stated): gnomAD 0.00001; gnomAD exomes 0.00001; TOPMed 0.00001; ESP Exome Variant Server 0.00008.
gnomAD v4.1: 10 of 1,608,802 alleles (0.00062%); highest among the groups gnomAD compares: Non-Finnish European, 0.00068%; no homozygotes.

Submission:

PreventionGenetics, part of Exact Sciences
Classification: Likely benign for SETX-related condition. Last evaluated: 2023-05-01. Review status: no assertion criteria provided. Collection method: clinical testing. Allele origin: germline.
Comment: This variant is classified as likely benign based on ACMG/AMP sequence variant interpretation guidelines (Richards et al. 2015 PMID: 25741868, with internal and published modifications).

NM_015046.7(SETX):c.5370T>C (p.Phe1790=)

Gene: SETX (senataxin; minus strand). Cytogenetic location: 9q34.13.
Variant type: single nucleotide variant.
Coding change: c.5370T>C on transcript NM_015046.7 (MANE Select); coding-DNA position 5370, T replaced by C.
Protein change: p.Phe1790=; no amino-acid change (phenylalanine 1790 retained).
Molecular consequence: synonymous variant.
Genome position (GRCh38, 1-based): chr9:132,311,761, A>G on the plus strand (T>C on the coding strand, the complement: SETX is on the minus strand). VCF-style: chr9-132311761-A-G. GRCh37 (hg19) VCF-style: chr9-135187148-A-G.
Other names: c.5370T>C, p.Phe1790= (NM_001351527.2, NM_001351528.2).
Identifiers: ClinVar variation 3053803 (VCV003053803.2), dbSNP rs142908707, ClinGen allele CA200796003.